The following is an entry in ClinVar:

NC_000020.10:g.(?_62037977)_(62051045_?)del

Gene: KCNQ2 (potassium voltage-gated channel subfamily Q member 2; minus strand). Cytogenetic location: 20q13.33.
Variant type: Deletion.
Identifiers: ClinVar variation 1073751 (VCV001073751.2).

ClinVar aggregate classification (germline): Pathogenic (1 of 4 stars; one submission).

Conditions:
Developmental and epileptic encephalopathy. Identifiers: MedGen C5779964, MONDO:0100620.

Submission:

Labcorp Genetics (formerly Invitae), Labcorp
Classification: Pathogenic for Early-infantile DEE. Last evaluated: 2020-01-27. Review status: criteria provided, single submitter. Criteria: Invitae Variant Classification Sherloc (09022015). Collection method: clinical testing. Allele origin: germline.
Comment: This variant is a gross deletion of the genomic region encompassing exons 12-17 of the KCNQ2 gene. The 5' boundary is likely confined to intron 11. The 3' end of this event is unknown as it extends through the termination codon beyond the assayed region for this gene and may encompass additional genes. While this deletion is not anticipated to result in nonsense mediated decay, it is expected to create a truncated protein product or disrupt mRNA translation. This variant has not been reported in the literature in individuals with KCNQ2-related conditions. The region of the KCNQ2 gene that includes exons 13-15 has been determined to be clinically significant (PMID: 17675531, 28940419). Therefore, deletions that encompass that region are likely to disrupt protein function and cause disease. For these reasons, this variant has been classified as Pathogenic.

Literature cited by the submitters: PubMed 17675531; PubMed 28940419.